The following is an entry in ClinVar:

ClinVar aggregate classification (germline): Likely benign. Review status: criteria provided, multiple submitters, no conflicts (2 of 4 stars). 2 submissions from 2 submitters: Likely benign (2). Last evaluated 2025-07-14.

Conditions:
MKS1-related disorder. Also called: MKS1-related disorders; MKS1-related condition. Identifiers: MedGen CN239382.
Joubert syndrome. Also called: Familial aplasia of the vermis; JOUBERT-BOLTSHAUSER SYNDROME. Identifiers: Orphanet 475, MedGen C5979921, MONDO:0018772.
Meckel-Gruber syndrome. Also called: Dysencephalia splachnocystica; DYSENCEPHALIA SPLANCHNOCYSTICA; GRUBER SYNDROME. Identifiers: Orphanet 564, MedGen C0265215, MONDO:0018921.

Allele frequency attached by ClinVar (database versions not stated): gnomAD exomes 0.00001 and below 0.00001.

Submissions (2):

PreventionGenetics, part of Exact Sciences
Classification: Likely benign for MKS1-related condition. Last evaluated: 2025-07-14. Review status: criteria provided, single submitter. Criteria: ACMG Guidelines, 2015. Collection method: clinical testing. Allele origin: germline.
Comment: This variant is classified as likely benign based on ACMG/AMP sequence variant interpretation guidelines (Richards et al. 2015 PMID: 25741868, with internal and published modifications).

Labcorp Genetics (formerly Invitae), Labcorp
Classification: Likely benign for Joubert syndrome; Meckel-Gruber syndrome. Last evaluated: 2023-09-21. Review status: criteria provided, single submitter. Criteria: Invitae Variant Classification Sherloc (09022015). Collection method: clinical testing. Allele origin: germline.

NM_017777.4(MKS1):c.516-5C>T

Gene: MKS1 (MKS transition zone complex subunit 1; minus strand). Cytogenetic location: 17q22.
Variant type: single nucleotide variant.
Coding change: c.516-5C>T on transcript NM_017777.4 (MANE Select); 5 bases into the intron before coding-DNA position 516, C replaced by T.
Molecular consequence: intron variant.
Genome position (GRCh38, 1-based): chr17:58,214,392, G>A on the plus strand (C>T on the coding strand, the complement: MKS1 is on the minus strand). VCF-style: chr17-58214392-G-A. GRCh37 (hg19) VCF-style: chr17-56291753-G-A.
Other names: c.-94-5C>T (NM_001321268.2); c.516-5C>T (NM_001330397.2, NM_001321269.2, NM_017777.3).
Identifiers: ClinVar variation 1508626 (VCV001508626.9), dbSNP rs1223795320, ClinGen allele CA626730388.